The following is an entry in ClinVar:

ClinVar aggregate classification (germline): Uncertain significance (1 of 4 stars; one submission).

Submission:

GeneDx
Classification: Uncertain significance. Last evaluated: 2023-11-30. Review status: criteria provided, single submitter. Criteria: GeneDx Variant Classification Process June 2021. Collection method: clinical testing. Allele origin: germline. Affected: yes.
Comment: Not observed at significant frequency in large population cohorts (gnomAD); In silico analysis supports that this missense variant does not alter protein structure/function; Has not been previously published as pathogenic or benign to our knowledge

NM_006245.4(PPP2R5D):c.123G>C (p.Gln41His)

Gene: PPP2R5D (protein phosphatase 2 regulatory subunit B'delta; plus strand). Cytogenetic location: 6p21.1.
Variant type: single nucleotide variant.
Coding change: c.123G>C on transcript NM_006245.4 (MANE Select); coding-DNA position 123, G replaced by C.
Protein change: p.Gln41His; replaces glutamine 41 with histidine.
Molecular consequence: missense variant. On other transcripts: 5 prime UTR variant (1), intron variant (1).
Genome position (GRCh38, 1-based): chr6:43,006,480, G>C. VCF-style: chr6-43006480-G-C. GRCh37 (hg19) VCF-style: chr6-42974218-G-C.
Other names: c.-331G>C (NM_001270476.2); c.123G>C, p.Gln41His (NM_180976.3); c.28-454G>C (NM_180977.3); short protein forms Q41H.
Identifiers: ClinVar variation 3340884 (VCV003340884.1).